The following is an entry in ClinVar:

ClinVar aggregate classification (germline): Benign/Likely benign. Review status: criteria provided, multiple submitters, no conflicts (2 of 4 stars). 8 submissions from 7 submitters: Benign (5); Likely benign (3). Last evaluated 2026-01-18.

Conditions:
Spherocytosis. Identifiers: MedGen C0553720, HP:0004444.
Hereditary spherocytosis type 1. Also called: Spherocytosis type 1; ANK1-Related Spherocytosis. Identifiers: Orphanet 822, MedGen C2674218, MONDO:0008447, OMIM 182900.

Allele frequency attached by ClinVar (database versions not stated): gnomAD exomes 0.00106 and 0.00250; ExAC 0.00328; gnomAD 0.01048 and 0.01106; TOPMed 0.01149; ESP Exome Variant Server 0.01276; 1000 Genomes Project 0.01318; 1000 Genomes Project 30x 0.01468.
gnomAD v4.1: 3,206 of 1,613,578 alleles (0.2%); highest among the groups gnomAD compares: African/African-American, 3.8%; 82 homozygotes.

Submissions (8):

Labcorp Genetics (formerly Invitae), Labcorp
Classification: Benign. Last evaluated: 2026-01-18. Review status: criteria provided, single submitter. Criteria: Invitae Variant Classification Sherloc (09022015). Collection method: clinical testing. Allele origin: germline.

ARUP Laboratories, Molecular Genetics and Genomics, ARUP Laboratories
Classification: Benign for Hereditary spherocytosis type 1. Last evaluated: 2025-05-22. Review status: criteria provided, single submitter. Criteria: ARUP Molecular Germline Variant Investigation Process 2024. Collection method: clinical testing. Allele origin: germline.

Mayo Clinic Laboratories, Mayo Clinic
Classification: Benign. Last evaluated: 2022-05-17. Review status: criteria provided, single submitter. Criteria: ACMG Guidelines, 2015. Collection method: clinical testing. Allele origin: germline. Observed: 37 variant alleles.
Comment: BS1, BS2

Genome-Nilou Lab
Classification: Benign for Hereditary spherocytosis type 1. Last evaluated: 2021-12-05. Review status: criteria provided, single submitter. Criteria: ACMG Guidelines, 2015. Collection method: clinical testing. Allele origin: germline. Affected: no.

Fulgent Genetics
Classification: Likely benign for Hereditary spherocytosis type 1. Last evaluated: 2021-09-27. Review status: criteria provided, single submitter. Criteria: ACMG Guidelines, 2015. Collection method: clinical testing. Allele origin: unknown.

Illumina Laboratory Services, Illumina
Classification: Benign for Hereditary spherocytosis type 1. Last evaluated: 2018-01-13. Review status: criteria provided, single submitter. Criteria: ICSL Variant Classification Criteria 13 December 2019. Collection method: clinical testing. Allele origin: germline.
Comment: This variant was observed in the ICSL laboratory as part of a predisposition screen in an ostensibly healthy population. It had not been previously curated by ICSL or reported in the Human Gene Mutation Database (HGMD: prior to June 1st, 2018), and was therefore a candidate for classification through an automated scoring system. Utilizing variant allele frequency, disease prevalence and penetrance estimates, and inheritance mode, an automated score was calculated to assess if this variant is too frequent to cause the disease. Based on the score and internal cut-off values, a variant classified as benign is not then subjected to further curation. The score for this variant resulted in a classification of benign for this disease.

Illumina Laboratory Services, Illumina
Classification: Likely benign for Spherocytosis. Last evaluated: 2018-01-13. Review status: criteria provided, single submitter. Criteria: ICSL Variant Classification Criteria 13 December 2019. Collection method: clinical testing. Allele origin: germline.
Comment: This variant was observed in the ICSL laboratory as part of a predisposition screen in an ostensibly healthy population. It had not been previously curated by ICSL or reported in the Human Gene Mutation Database (HGMD: prior to June 1st, 2018), and was therefore a candidate for classification through an automated scoring system. Utilizing variant allele frequency, disease prevalence and penetrance estimates, and inheritance mode, an automated score was calculated to assess if this variant is too frequent to cause the disease. Based on the score and internal cut-off values, a variant classified as likely benign is not then subjected to further curation. The score for this variant resulted in a classification of likely benign for this disease.

Breakthrough Genomics
Classification: Likely benign. Review status: criteria provided, single submitter. Criteria: ACMG Guidelines, 2015. Collection method: not provided. Allele origin: germline. Inheritance: Autosomal dominant inheritance. Affected: yes.

NM_000037.4(ANK1):c.489C>T (p.Leu163=)

Genes: ANK1 (ankyrin 1; minus strand), LOC124153154 (Sharpr-MPRA regulatory region 1462; plus strand). Cytogenetic location: 8p11.21.
Variant type: single nucleotide variant.
Coding change: c.489C>T on transcript NM_000037.4 (MANE Select); coding-DNA position 489, C replaced by T.
Protein change: p.Leu163=; no amino-acid change (leucine 163 retained).
Molecular consequence: synonymous variant.
Genome position (GRCh38, 1-based): chr8:41,725,884, G>A on the plus strand (C>T on the coding strand, the complement: ANK1 is on the minus strand). VCF-style: chr8-41725884-G-A. GRCh37 (hg19) VCF-style: chr8-41583402-G-A.
Other names: p.Leu163=; c.588C>T, p.Leu196= (NM_001142446.2); c.489C>T, p.Leu163= (NM_020475.3, NM_020476.3, NM_020477.3).
Identifiers: ClinVar variation 363049 (VCV000363049.24), dbSNP rs34173100, ClinGen allele CA4728962.
Genomic context (GRCh38, chr8:41,725,884, plus strand): 5'-GTTGCGGGCCGCGATGTGCAGGGCCGGGAGGCGCACCTTCCCCTTGGTGCCGTAGTTGAT[G>A]AGGTGCGCGACGACGTTCTCATGGCCCTGCTGCAGGGCTACCGCCAGAGGCGTGAAGCCG-3'
Protein context (NP_000028.3, residues 153-173): QQGHENVVAH[Leu163=]INYGTKGKVR